The following is an entry in ClinVar:

NM_000154.2(GALK1):c.520G>A (p.Glu174Lys)

Gene: GALK1 (galactokinase 1; minus strand). Cytogenetic location: 17q25.1.
Variant type: single nucleotide variant.
Coding change: c.520G>A on transcript NM_000154.2 (MANE Select); coding-DNA position 520, G replaced by A.
Protein change: p.Glu174Lys; replaces glutamic acid 174 with lysine.
Molecular consequence: missense variant.
Genome position (GRCh38, 1-based): chr17:75,763,105, C>T on the plus strand (G>A on the coding strand, the complement: GALK1 is on the minus strand). VCF-style: chr17-75763105-C-T. GRCh37 (hg19) VCF-style: chr17-73759186-C-T.
Other names: short protein forms E174K.
Identifiers: ClinVar variation 554016 (VCV000554016.8), dbSNP rs1363497653, ClinGen allele CA401104574.

ClinVar aggregate classification (germline): Likely pathogenic. Review status: criteria provided, multiple submitters, no conflicts (2 of 4 stars). 3 submissions from 3 submitters: Likely pathogenic (2). 1 of the submissions does not count toward it. Last evaluated 2024-06-12.

Conditions:
Deficiency of galactokinase. Also called: Galactokinase deficiency with cataracts; GALACTOSEMIA II. Identifiers: Orphanet 352, Orphanet 79237, MedGen C0268155, MONDO:0009255, OMIM 230200.

Allele frequency attached by ClinVar (database versions not stated): gnomAD 0.00001; TOPMed 0.00001; gnomAD exomes 0.00002 and 0.00003.
gnomAD v4.1: 17 of 1,612,280 alleles (0.0011%); highest among the groups gnomAD compares: African/African-American, 0.0013%; no homozygotes.

Submissions (3):

Fulgent Genetics
Classification: Likely pathogenic for Deficiency of galactokinase. Last evaluated: 2024-06-12. Review status: criteria provided, single submitter. Criteria: ACMG Guidelines, 2015. Collection method: clinical testing. Allele origin: germline.

Labcorp Genetics (formerly Invitae), Labcorp
Classification: Likely pathogenic for Deficiency of galactokinase. Last evaluated: 2023-06-23. Review status: criteria provided, single submitter. Criteria: Invitae Variant Classification Sherloc (09022015). Collection method: clinical testing. Allele origin: germline.
Comment: This missense change has been observed in individual(s) with galactokinase deficiency (PMID: 28173647). In at least one individual the data is consistent with being in trans (on the opposite chromosome) from a pathogenic variant. It has also been observed to segregate with disease in related individuals. ClinVar contains an entry for this variant (Variation ID: 554016). Advanced modeling of protein sequence and biophysical properties (such as structural, functional, and spatial information, amino acid conservation, physicochemical variation, residue mobility, and thermodynamic stability) performed at Invitae indicates that this missense variant is expected to disrupt GALK1 protein function. In summary, the currently available evidence indicates that the variant is pathogenic, but additional data are needed to prove that conclusively. Therefore, this variant has been classified as Likely Pathogenic. This sequence change replaces glutamic acid, which is acidic and polar, with lysine, which is basic and polar, at codon 174 of the GALK1 protein (p.Glu174Lys). This variant is present in population databases (no rsID available, gnomAD 0.04%).

Counsyl
Classification: Uncertain significance for Deficiency of galactokinase. Last evaluated: 2017-11-08. Review status: no assertion criteria provided. Collection method: clinical testing. Allele origin: unknown. Not counted in ClinVar's aggregate classification.

Literature cited by the submitters: PubMed 28173647 (cited by Labcorp Genetics (formerly Invitae), Labcorp and Counsyl).